The following is an entry in ClinVar:

NM_182931.3(KMT2E):c.5194_5196delinsACC (p.His1732Thr)

Gene: KMT2E (lysine methyltransferase 2E (inactive); plus strand). Cytogenetic location: 7q22.3.
Variant type: Indel.
Coding change: c.5194_5196delinsACC on transcript NM_182931.3 (MANE Select); coding-DNA positions 5194 to 5196, CAT replaced by ACC.
Protein change: p.His1732Thr; replaces histidine 1732 with threonine.
Molecular consequence: missense variant.
Genome position (GRCh38, 1-based): chr7:105,112,950-105,112,952, CAT replaced by ACC. VCF-style: chr7-105112950-CAT-ACC. GRCh37 (hg19) VCF-style: chr7-104753397-CAT-ACC.
Other names: c.5068_5070delinsACC, p.His1690Thr (NM_001410908.1); c.5194_5196delinsACC, p.His1732Thr (NM_018682.4); short protein forms H1690T, H1732T.
Identifiers: ClinVar variation 2506675 (VCV002506675.1), dbSNP rs2536528224, ClinGen allele CA2580617065.

ClinVar aggregate classification (germline): Uncertain significance (1 of 4 stars; one submission).

Submission:

GeneDx
Classification: Uncertain significance. Last evaluated: 2022-12-20. Review status: criteria provided, single submitter. Criteria: GeneDx Variant Classification Process June 2021. Collection method: clinical testing. Allele origin: germline. Affected: yes.
Comment: Not observed at significant frequency in large population cohorts (gnomAD); In silico analysis supports a deleterious effect on protein structure/function; Has not been previously published as pathogenic or benign to our knowledge